The following is an entry in ClinVar:

NM_001244008.2(KIF1A):c.881A>G (p.Lys294Arg)

Gene: KIF1A (kinesin family member 1A; minus strand). Cytogenetic location: 2q37.3.
Variant type: single nucleotide variant.
Coding change: c.881A>G on transcript NM_001244008.2 (MANE Select); coding-DNA position 881, A replaced by G.
Protein change: p.Lys294Arg; replaces lysine 294 with arginine.
Molecular consequence: missense variant.
Genome position (GRCh38, 1-based): chr2:240,782,591, T>C on the plus strand (A>G on the coding strand, the complement: KIF1A is on the minus strand). VCF-style: chr2-240782591-T-C. GRCh37 (hg19) VCF-style: chr2-241722008-T-C.
Other names: c.881A>G, p.Lys294Arg (NM_001320705.2, NM_001330289.2, NM_001330290.2 and 20 more transcripts); short protein forms K294R.
Identifiers: ClinVar variation 1491405 (VCV001491405.8), dbSNP rs946682837, ClinGen allele CA68137553.

ClinVar aggregate classification (germline): Uncertain significance (1 of 4 stars; one submission).

Conditions:
Hereditary spastic paraplegia 30. Identifiers: Orphanet 101010, MedGen C5235139, MONDO:0012476.
Neuropathy, hereditary sensory, type 2C. Also called: KIF1A-Related HSAN2 (HSAN2C); Hereditary sensory and autonomic neuropathy type IIC. Identifiers: Orphanet 970, MedGen C3280168, MONDO:0013634, OMIM 614213.
Intellectual disability, autosomal dominant 9 (NESCAVS). Also called: KIF1A-Related Neurodevelopmental Disorder; NESCAV SYNDROME. Identifiers: Orphanet 662367, MedGen C5393830, MONDO:0013656, OMIM 614255.

Allele frequency attached by ClinVar (database versions not stated): gnomAD exomes below 0.00001 and 0.00001; gnomAD 0.00001; TOPMed 0.00003.
gnomAD v4.1: 4 of 1,552,434 alleles (0.00026%); highest among the groups gnomAD compares: African/African-American, 0.0055%; no homozygotes.

Submission:

Labcorp Genetics (formerly Invitae), Labcorp
Classification: Uncertain significance for Hereditary spastic paraplegia 30; Neuropathy, hereditary sensory, type 2C; Intellectual disability, autosomal dominant 9. Last evaluated: 2024-10-12. Review status: criteria provided, single submitter. Criteria: Invitae Variant Classification Sherloc (09022015). Collection method: clinical testing. Allele origin: germline.
Comment: This sequence change replaces lysine, which is basic and polar, with arginine, which is basic and polar, at codon 294 of the KIF1A protein (p.Lys294Arg). The frequency data for this variant in the population databases is considered unreliable, as metrics indicate poor data quality at this position in the gnomAD database. This variant has not been reported in the literature in individuals affected with KIF1A-related conditions. ClinVar contains an entry for this variant (Variation ID: 1491405). An algorithm developed to predict the effect of missense changes on protein structure and function (PolyPhen-2) suggests that this variant is likely to be tolerated. In summary, the available evidence is currently insufficient to determine the role of this variant in disease. Therefore, it has been classified as a Variant of Uncertain Significance.